The following is an entry in ClinVar:

ClinVar aggregate classification (germline): Uncertain significance (1 of 4 stars; one submission).

Allele frequency attached by ClinVar (database versions not stated): TOPMed below 0.00001; gnomAD 0.00001.

Submission:

GeneDx
Classification: Uncertain significance. Last evaluated: 2022-08-23. Review status: criteria provided, single submitter. Criteria: GeneDx Variant Classification Process June 2021. Collection method: clinical testing. Allele origin: germline. Affected: yes.
Comment: In silico analysis supports that this missense variant has a deleterious effect on protein structure/function; Has not been previously published as pathogenic or benign to our knowledge

NM_000142.5(FGFR3):c.935C>T (p.Ala312Val)

Gene: FGFR3 (fibroblast growth factor receptor 3; plus strand). Cytogenetic location: 4p16.3.
Variant type: single nucleotide variant.
Coding change: c.935C>T on transcript NM_000142.5 (MANE Select); coding-DNA position 935, C replaced by T.
Protein change: p.Ala312Val; replaces alanine 312 with valine.
Molecular consequence: missense variant. On other transcripts: non-coding transcript variant (1), intron variant (2).
Genome position (GRCh38, 1-based): chr4:1,803,696, C>T. VCF-style: chr4-1803696-C-T. GRCh37 (hg19) VCF-style: chr4-1805423-C-T.
Other names: c.935C>T, p.Ala312Val (NM_001354809.2, NM_001354810.2); c.1081+632C>T (NM_001163213.2); c.931-1128C>T (NM_022965.4); short protein forms A312V.
Identifiers: ClinVar variation 2430463 (VCV002430463.1), dbSNP rs778617562, ClinGen allele CA2810131.